The following is an entry in ClinVar:

NM_000497.4(CYP11B1):c.396-2A>G

Genes: CYP11B1 (cytochrome P450 family 11 subfamily B member 1; minus strand), LOC106799833 (CYP11B1 recombination region; plus strand). Cytogenetic location: 8q24.3.
Variant type: single nucleotide variant.
Coding change: c.396-2A>G on transcript NM_000497.4 (MANE Select); the canonical splice acceptor site of the intron before coding-DNA position 396, A replaced by G.
Molecular consequence: splice acceptor variant.
Genome position (GRCh38, 1-based): chr8:142,877,224, T>C on the plus strand (A>G on the coding strand, the complement: CYP11B1 is on the minus strand). VCF-style: chr8-142877224-T-C. GRCh37 (hg19) VCF-style: chr8-143958640-T-C.
Other names: c.396-2A>G (NM_001026213.1).
Identifiers: ClinVar variation 2445874 (VCV002445874.2), dbSNP rs1307064483, ClinGen allele CA372396244.
Genomic context (GRCh38, chr8:142,877,224, plus strand): 5'-TGGGCGACAGCACTTCTGGATTCAGCCGCAATCGGTTGAAGCGCCATTCAGGCCCATTCC[T>C]ACAGAGGCCAGGGCAGAGCTTGTGAGGCCGCCCCAGCAAGACACAGGCCCTGACCCGTAT-3'

ClinVar aggregate classification (germline): Likely pathogenic. Review status: criteria provided, multiple submitters, no conflicts (2 of 4 stars). 2 submissions from 2 submitters: Likely pathogenic (2). Last evaluated 2025-03-20.

Conditions:
Congenital adrenal hyperplasia. Identifiers: Orphanet 418, MedGen C0001627, MONDO:0018479, HP:0008258.
Deficiency of steroid 11-beta-monooxygenase (CYP11B1). Also called: P450C11B1 DEFICIENCY; ADRENAL HYPERPLASIA, CONGENITAL, DUE TO STEROID 11-BETA-HYDROXYLASE DEFICIENCY; STEROID 11-BETA-HYDROXYLASE DEFICIENCY; ADRENAL HYPERPLASIA IV; Congenital adrenal hyperplasia due to 11-beta-hydroxylase deficiency; 11-BETA-HYDROXYLASE DEFICIENCY. Identifiers: Orphanet 90795, MedGen C0268292, MONDO:0008729, OMIM 202010. Disease mechanism: loss of function.

Submissions (2):

Myriad Genetics, Inc.
Classification: Likely pathogenic for Deficiency of steroid 11-beta-monooxygenase. Last evaluated: 2025-03-20. Review status: criteria provided, single submitter. Criteria: Myriad Autosomal Dominant, Autosomal Recessive and X-Linked Classification Criteria (2023). Collection method: clinical testing. Allele origin: unknown.
Comment: NM_000497.3(CYP11B1):c.396-2A>G is a variant in a canonical splice site classified as likely pathogenic in the context of congenital adrenal hyperplasia, CYP11B1-related. c.396-2A>G has not been observed in cases with relevant disease. Relevant functional assessments of this variant are not available in the literature. c.396-2A>G has not been observed in referenced population frequency databases. In summary, NM_000497.3(CYP11B1):c.396-2A>G is a variant in a canonical splice site in a gene where loss of function is a known mechanism of disease and is predicted to disrupt protein function. Please note: this variant was assessed in the context of healthy population screening.

Women's Health and Genetics/Laboratory Corporation of America, LabCorp
Classification: Likely pathogenic for Congenital adrenal hyperplasia. Last evaluated: 2023-02-16. Review status: criteria provided, single submitter. Criteria: LabCorp Variant Classification Summary - May 2015. Collection method: clinical testing. Allele origin: germline.
Comment: Variant summary: CYP11B1 c.396-2A>G is located in a canonical splice-site and is predicted to affect mRNA splicing resulting in a significantly altered protein due to either exon skipping, shortening, or inclusion of intronic material. Several computational tools predict a significant impact on normal splicing: Four predict the variant abolishes a canonical 3' acceptor site. However, these predictions have yet to be confirmed by functional studies. The variant was absent in 243276 control chromosomes (gnomAD). To our knowledge, no occurrence of c.396-2A>G in individuals affected with Congenital Adrenal Hyperplasia and no experimental evidence demonstrating its impact on protein function have been reported. No clinical diagnostic laboratories have submitted clinical-significance assessments for this variant to ClinVar after 2014. Based on the evidence outlined above, the variant was classified as likely pathogenic.